The following is an entry in ClinVar:

NM_018684.4(ZC4H2):c.487C>T (p.Gln163Ter)

Gene: ZC4H2 (zinc finger C4H2-type containing; minus strand). Cytogenetic location: Xq11.2.
Variant type: single nucleotide variant.
Coding change: c.487C>T on transcript NM_018684.4 (MANE Select); coding-DNA position 487, C replaced by T.
Protein change: p.Gln163Ter; replaces glutamine 163 with a stop codon.
Molecular consequence: nonsense. On other transcripts: non-coding transcript variant (1), intron variant (1).
Genome position (GRCh38, 1-based): chrX:64,919,116, G>A on the plus strand (C>T on the coding strand, the complement: ZC4H2 is on the minus strand). VCF-style: chrX-64919116-G-A. GRCh37 (hg19) VCF-style: chrX-64138996-G-A.
Other names: c.418C>T, p.Gln140Ter (NM_001178032.3, NM_001243804.2); c.398+965C>T (NM_001178033.3); short protein forms Q140*, Q163*.
Identifiers: ClinVar variation 3342864 (VCV003342864.1).

ClinVar aggregate classification (germline): Pathogenic (1 of 4 stars; one submission).

Submission:

GeneDx
Classification: Pathogenic. Last evaluated: 2024-02-29. Review status: criteria provided, single submitter. Criteria: GeneDx Variant Classification Process June 2021. Collection method: clinical testing. Allele origin: germline. Affected: yes.
Comment: Nonsense variant predicted to result in protein truncation or nonsense mediated decay in a gene for which loss of function is a known mechanism of disease; Not observed at significant frequency in large population cohorts (gnomAD); This variant is associated with the following publications: (PMID: 33820833)